The following is an entry in ClinVar:

NM_017999.5(RNF31):c.1256C>G (p.Thr419Ser)

Gene: RNF31 (ring finger protein 31; plus strand). Cytogenetic location: 14q12.
Variant type: single nucleotide variant.
Coding change: c.1256C>G on transcript NM_017999.5 (MANE Select); coding-DNA position 1256, C replaced by G.
Protein change: p.Thr419Ser; replaces threonine 419 with serine.
Molecular consequence: missense variant.
Genome position (GRCh38, 1-based): chr14:24,150,656, C>G. VCF-style: chr14-24150656-C-G. GRCh37 (hg19) VCF-style: chr14-24619865-C-G.
Other names: c.803C>G, p.Thr268Ser (NM_001310332.2); short protein forms T268S, T419S.
Identifiers: ClinVar variation 2013732 (VCV002013732.4), dbSNP rs2502000217, ClinGen allele CA389292810.

ClinVar aggregate classification (germline): Uncertain significance (1 of 4 stars; one submission).

Submission:

Labcorp Genetics (formerly Invitae), Labcorp
Classification: Uncertain significance. Last evaluated: 2022-07-03. Review status: criteria provided, single submitter. Criteria: Invitae Variant Classification Sherloc (09022015). Collection method: clinical testing. Allele origin: germline.
Comment: This variant is not present in population databases (gnomAD no frequency). In summary, the available evidence is currently insufficient to determine the role of this variant in disease. Therefore, it has been classified as a Variant of Uncertain Significance. Algorithms developed to predict the effect of sequence changes on RNA splicing suggest that this variant may create or strengthen a splice site. Algorithms developed to predict the effect of missense changes on protein structure and function are either unavailable or do not agree on the potential impact of this missense change (SIFT: "Deleterious"; PolyPhen-2: "Probably Damaging"; Align-GVGD: "Class C0"). This variant has not been reported in the literature in individuals affected with RNF31-related conditions. This sequence change replaces threonine, which is neutral and polar, with serine, which is neutral and polar, at codon 419 of the RNF31 protein (p.Thr419Ser).